The following is an entry in ClinVar:

ClinVar aggregate classification (germline): Pathogenic/Likely pathogenic. Review status: criteria provided, multiple submitters, no conflicts (2 of 4 stars). 2 submissions from 2 submitters: Pathogenic (1); Likely pathogenic (1). Last evaluated 2023-11-25.

Conditions:
Fanconi anemia (FA). Also called: Fanconi's anemia. Identifiers: Orphanet 84, MedGen C0015625, MeSH D005199, MONDO:0019391.
Fanconi anemia complementation group I (FANCI). Also called: FANCI-Related Fanconi Anemia. Identifiers: Orphanet 84, MedGen C1836861, MONDO:0012186, OMIM 609053.

Submissions (2):

Labcorp Genetics (formerly Invitae), Labcorp
Classification: Pathogenic for Fanconi anemia. Last evaluated: 2023-11-25. Review status: criteria provided, single submitter. Criteria: Invitae Variant Classification Sherloc (09022015). Collection method: clinical testing. Allele origin: germline.
Comment: This sequence change creates a premature translational stop signal (p.Leu1049Phefs*12) in the FANCI gene. It is expected to result in an absent or disrupted protein product. Loss-of-function variants in FANCI are known to be pathogenic (PMID: 17452773, 17460694). This variant is not present in population databases (gnomAD no frequency). This variant has not been reported in the literature in individuals affected with FANCI-related conditions. For these reasons, this variant has been classified as Pathogenic.

Baylor Genetics
Classification: Likely pathogenic for Fanconi anemia complementation group I. Last evaluated: 2023-07-31. Review status: criteria provided, single submitter. Criteria: ACMG Guidelines, 2015. Collection method: clinical testing. Allele origin: unknown.

Literature cited by the submitters: PubMed 17452773 (cited by Labcorp Genetics (formerly Invitae), Labcorp); PubMed 17460694 (cited by Labcorp Genetics (formerly Invitae), Labcorp).

NM_001113378.2(FANCI):c.3147del (p.Leu1049fs)

Gene: FANCI (FA complementation group I; plus strand). Cytogenetic location: 15q26.1.
Variant type: Deletion.
Coding change: c.3147del on transcript NM_001113378.2 (MANE Select); coding-DNA position 3147, one base deleted (G; older notation c.3147delG).
Protein change: p.Leu1049fs; shifts the reading frame from leucine 1049.
Molecular consequence: frameshift variant.
Genome position (GRCh38, 1-based): chr15:89,305,203, G deleted. VCF-style (leftmost placement, unchanged base first): chr15-89305202-TG-T. GRCh37 (hg19) VCF-style: chr15-89848433-TG-T.
Other names: c.2868del, p.Leu956fs (NM_001376910.1); c.3147del, p.Leu1049fs (NM_001376911.1); c.2967del, p.Leu989fs (NM_018193.3); short protein forms L1049fs, L956fs, L989fs.
Identifiers: ClinVar variation 2675611 (VCV002675611.4), dbSNP rs2508408921, ClinGen allele CA2695197344.